The following is an entry in ClinVar:

NM_001003694.2(BRPF1):c.1390G>A (p.Gly464Ser)

Gene: BRPF1 (bromodomain and PHD finger containing 1; plus strand). Cytogenetic location: 3p25.3.
Variant type: single nucleotide variant.
Coding change: c.1390G>A on transcript NM_001003694.2 (MANE Select); coding-DNA position 1390, G replaced by A.
Protein change: p.Gly464Ser; replaces glycine 464 with serine.
Molecular consequence: missense variant. On other transcripts: non-coding transcript variant (1).
Genome position (GRCh38, 1-based): chr3:9,739,789, G>A. VCF-style: chr3-9739789-G-A. GRCh37 (hg19) VCF-style: chr3-9781473-G-A.
Other names: c.1390G>A, p.Gly464Ser (NM_001319049.2, NM_001319050.2, NM_004634.3); short protein forms G464S.
Identifiers: ClinVar variation 798307 (VCV000798307.6), dbSNP rs771712227, ClinGen allele CA2241853.

ClinVar aggregate classification (germline): Likely benign. Review status: criteria provided, multiple submitters, no conflicts (2 of 4 stars). 3 submissions from 3 submitters: Likely benign (2). 1 of the submissions does not count toward it. Last evaluated 2025-08-23.

Conditions:
Inborn genetic diseases. Identifiers: MedGen C0950123, MeSH D030342.
BRPF1-related disorder. Also called: BRPF1-related condition.

Allele frequency attached by ClinVar (database versions not stated): 1000 Genomes Project 30x 0.00016.

Submissions (3):

Ambry Genetics
Classification: Likely benign for Inborn genetic diseases. Last evaluated: 2025-08-23. Review status: criteria provided, single submitter. Criteria: Ambry Variant Classification Scheme 2023. Collection method: clinical testing. Allele origin: germline.

Labcorp Genetics (formerly Invitae), Labcorp
Classification: Likely benign. Last evaluated: 2018-12-18. Review status: criteria provided, single submitter. Criteria: Invitae Variant Classification Sherloc (09022015). Collection method: clinical testing. Allele origin: germline.

PreventionGenetics, part of Exact Sciences
Classification: Likely benign for BRPF1-related condition. Last evaluated: 2022-09-13. Review status: no assertion criteria provided. Collection method: clinical testing. Allele origin: germline. Not counted in ClinVar's aggregate classification.
Comment: This variant is classified as likely benign based on ACMG/AMP sequence variant interpretation guidelines (Richards et al. 2015 PMID: 25741868, with internal and published modifications).